The following is an entry in ClinVar:

ClinVar aggregate classification (germline): Uncertain significance (1 of 4 stars; one submission).

Conditions:
Fanconi-Bickel syndrome (FBS). Also called: PSEUDO-PHLORIZIN DIABETES; Glycogen storage disease due to GLUT2 deficiency; FANCONI SYNDROME WITH INTESTINAL MALABSORPTION AND GALACTOSE INTOLERANCE; HEPATIC GLYCOGENOSIS WITH AMINO ACIDURIA AND GLUCOSURIA; HEPATIC GLYCOGENOSIS WITH FANCONI NEPHROPATHY; HEPATORENAL GLYCOGENOSIS WITH RENAL FANCONI SYNDROME. Identifiers: Orphanet 2088, MedGen C3495427, MONDO:0009216, OMIM 227810.

Submission:

Labcorp Genetics (formerly Invitae), Labcorp
Classification: Uncertain significance for Fanconi-Bickel syndrome. Last evaluated: 2024-05-27. Review status: criteria provided, single submitter. Criteria: Invitae Variant Classification Sherloc (09022015). Collection method: clinical testing. Allele origin: germline.
Comment: This sequence change replaces asparagine, which is neutral and polar, with serine, which is neutral and polar, at codon 391 of the SLC2A2 protein (p.Asn391Ser). This variant is not present in population databases (gnomAD no frequency). This variant has not been reported in the literature in individuals affected with SLC2A2-related conditions. ClinVar contains an entry for this variant (Variation ID: 2001143). An algorithm developed to predict the effect of missense changes on protein structure and function (PolyPhen-2) suggests that this variant is likely to be tolerated. In summary, the available evidence is currently insufficient to determine the role of this variant in disease. Therefore, it has been classified as a Variant of Uncertain Significance.

NM_000340.2(SLC2A2):c.1172A>G (p.Asn391Ser)

Gene: SLC2A2 (solute carrier family 2 member 2; minus strand). Cytogenetic location: 3q26.2.
Variant type: single nucleotide variant.
Coding change: c.1172A>G on transcript NM_000340.2 (MANE Select); coding-DNA position 1172, A replaced by G.
Protein change: p.Asn391Ser; replaces asparagine 391 with serine.
Molecular consequence: missense variant.
Genome position (GRCh38, 1-based): chr3:170,998,395, T>C on the plus strand (A>G on the coding strand, the complement: SLC2A2 is on the minus strand). VCF-style: chr3-170998395-T-C. GRCh37 (hg19) VCF-style: chr3-170716184-T-C.
Other names: c.815A>G, p.Asn272Ser (NM_001278658.2); c.653A>G, p.Asn218Ser (NM_001278659.2); short protein forms N391S, N272S, N218S.
Identifiers: ClinVar variation 2001143 (VCV002001143.4), dbSNP rs2473882381, ClinGen allele CA355486109.